The following is an entry in ClinVar:

ClinVar aggregate classification (germline): Conflicting classifications of pathogenicity. Review status: criteria provided, conflicting classifications (1 of 4 stars). 6 submissions from 5 submitters: Uncertain significance (5); Likely benign (1). Last evaluated 2025-04-29.

Conditions:
Liddle syndrome 2. Identifiers: MedGen C4748251, MONDO:0020854, OMIM 618114.
Pseudohypoaldosteronism, type IB3, autosomal recessive (PHA1B3). Identifiers: MedGen C5774256, MONDO:0859318, OMIM 620126.
Bronchiectasis with or without elevated sweat chloride 3 (BESC3). Identifiers: Orphanet 60033, MedGen C2751324, MONDO:0013112, OMIM 613071.
Pseudohypoaldosteronism, type IB1, autosomal recessive. Also called: PHA I, AUTOSOMAL RECESSIVE; Autosomal recessive pseudohypoaldosteronism type 1; Pseudohypoaldosteronism, Type I, Recessive; Pseudohypoaldosteronism, Type I, Autosomal Recessive. Identifiers: Orphanet 171876, Orphanet 756, MedGen C5774176, MONDO:0009917, OMIM 264350.

Allele frequency attached by ClinVar (database versions not stated): gnomAD 0.00001; TOPMed 0.00002; ExAC 0.00004.
gnomAD v4.1: 12 of 1,614,074 alleles (0.00074%); highest among the groups gnomAD compares: East Asian, 0.0045%; no homozygotes.

Submissions (6):

Labcorp Genetics (formerly Invitae), Labcorp
Classification: Uncertain significance. Last evaluated: 2025-04-29. Review status: criteria provided, single submitter. Criteria: Invitae Variant Classification Sherloc (09022015). Collection method: clinical testing. Allele origin: germline.
Comment: This sequence change replaces arginine, which is basic and polar, with tryptophan, which is neutral and slightly polar, at codon 180 of the SCNN1G protein (p.Arg180Trp). This variant is present in population databases (rs763601481, gnomAD 0.007%). This variant has not been reported in the literature in individuals affected with SCNN1G-related conditions. ClinVar contains an entry for this variant (Variation ID: 318350). An algorithm developed to predict the effect of missense changes on protein structure and function (PolyPhen-2) suggests that this variant is likely to be disruptive. In summary, the available evidence is currently insufficient to determine the role of this variant in disease. Therefore, it has been classified as a Variant of Uncertain Significance.

Fulgent Genetics
Classification: Uncertain significance for Bronchiectasis with or without elevated sweat chloride 3; Liddle syndrome 2; Pseudohypoaldosteronism, type IB3, autosomal recessive. Last evaluated: 2024-01-15. Review status: criteria provided, single submitter. Criteria: ACMG Guidelines, 2015. Collection method: clinical testing. Allele origin: germline.

Blueprint Genetics
Classification: Uncertain significance. Last evaluated: 2023-07-31. Review status: criteria provided, single submitter. Criteria: ACMG Guidelines, 2015. Collection method: clinical testing. Allele origin: germline.

GeneDx
Classification: Uncertain significance. Last evaluated: 2022-06-30. Review status: criteria provided, single submitter. Criteria: GeneDx Variant Classification Process June 2021. Collection method: clinical testing. Allele origin: germline. Affected: yes.
Comment: In silico analysis supports that this missense variant does not alter protein structure/function; Has not been previously published as pathogenic or benign to our knowledge

Illumina Laboratory Services, Illumina
Classification: Likely benign for Liddle syndrome 2. Last evaluated: 2018-01-13. Review status: criteria provided, single submitter. Criteria: ICSL Variant Classification Criteria 13 December 2019. Collection method: clinical testing. Allele origin: germline.
Comment: This variant was observed in the ICSL laboratory as part of a predisposition screen in an ostensibly healthy population. It had not been previously curated by ICSL or reported in the Human Gene Mutation Database (HGMD: prior to June 1st, 2018), and was therefore a candidate for classification through an automated scoring system. Utilizing variant allele frequency, disease prevalence and penetrance estimates, and inheritance mode, an automated score was calculated to assess if this variant is too frequent to cause the disease. Based on the score and internal cut-off values, a variant classified as likely benign is not then subjected to further curation. The score for this variant resulted in a classification of likely benign for this disease.

Illumina Laboratory Services, Illumina
Classification: Uncertain significance for Pseudohypoaldosteronism, type IB1, autosomal recessive. Last evaluated: 2018-01-13. Review status: criteria provided, single submitter. Criteria: ICSL Variant Classification Criteria 13 December 2019. Collection method: clinical testing. Allele origin: germline.

NM_001039.4(SCNN1G):c.538C>T (p.Arg180Trp)

Gene: SCNN1G (sodium channel epithelial 1 subunit gamma; plus strand). Cytogenetic location: 16p12.2.
Variant type: single nucleotide variant.
Coding change: c.538C>T on transcript NM_001039.4 (MANE Select); coding-DNA position 538, C replaced by T.
Protein change: p.Arg180Trp; replaces arginine 180 with tryptophan.
Molecular consequence: missense variant.
Genome position (GRCh38, 1-based): chr16:23,189,591, C>T. VCF-style: chr16-23189591-C-T. GRCh37 (hg19) VCF-style: chr16-23200912-C-T.
Other names: short protein forms R180W.
Identifiers: ClinVar variation 318350 (VCV000318350.9), dbSNP rs763601481, ClinGen allele CA7959590.